The following is an entry in ClinVar:

ClinVar aggregate classification (germline): Uncertain significance (1 of 4 stars; one submission).

Conditions:
Generalized epilepsy-paroxysmal dyskinesia syndrome (PNKD3). Also called: Generalized epilepsy and paroxysmal dyskinesia; Paroxysmal nonkinesigenic dyskinesia, 3, with or without generalized epilepsy. Identifiers: Orphanet 79137, MedGen C5574945, MONDO:0012276, OMIM 609446.

Allele frequency attached by ClinVar (database versions not stated): gnomAD exomes below 0.00001.
gnomAD v4.1: 1 of 1,606,158 alleles (0.000062%); highest among the groups gnomAD compares: Non-Finnish European, 0.000085%; no homozygotes.

Submission:

Labcorp Genetics (formerly Invitae), Labcorp
Classification: Uncertain significance for Generalized epilepsy-paroxysmal dyskinesia syndrome. Last evaluated: 2022-08-16. Review status: criteria provided, single submitter. Criteria: Invitae Variant Classification Sherloc (09022015). Collection method: clinical testing. Allele origin: germline.
Comment: Algorithms developed to predict the effect of sequence changes on RNA splicing suggest that this variant is not likely to affect RNA splicing. This sequence change affects codon 445 of the KCNMA1 mRNA. It is a 'silent' change, meaning that it does not change the encoded amino acid sequence of the KCNMA1 protein. It affects a nucleotide within the consensus splice site. This variant is not present in population databases (gnomAD no frequency). This variant has not been reported in the literature in individuals affected with KCNMA1-related conditions. In summary, the available evidence is currently insufficient to determine the role of this variant in disease. Therefore, it has been classified as a Variant of Uncertain Significance.

NM_001161352.2(KCNMA1):c.1335C>T (p.Asn445=)

Gene: KCNMA1 (potassium calcium-activated channel subfamily M alpha 1; minus strand). Cytogenetic location: 10q22.3.
Variant type: single nucleotide variant.
Coding change: c.1335C>T on transcript NM_001161352.2 (MANE Select); coding-DNA position 1335, C replaced by T.
Protein change: p.Asn445=; no amino-acid change (asparagine 445 retained).
Molecular consequence: synonymous variant.
Genome position (GRCh38, 1-based): chr10:77,086,593, G>A on the plus strand (C>T on the coding strand, the complement: KCNMA1 is on the minus strand). VCF-style: chr10-77086593-G-A. GRCh37 (hg19) VCF-style: chr10-78846351-G-A.
Other names: c.1335C>T, p.Asn445= (NM_001014797.3, NM_001161353.2, NM_001271519.2 and 8 more transcripts); c.1173C>T, p.Asn391= (NM_001271518.2); c.795C>T, p.Asn265= (NM_001322838.2).
Identifiers: ClinVar variation 2024302 (VCV002024302.4), dbSNP rs2550872416, ClinGen allele CA470526387.